The following is an entry in ClinVar:

NM_000382.3(ALDH3A2):c.1285del (p.Ser429fs)

Gene: ALDH3A2 (aldehyde dehydrogenase 3 family member A2; plus strand). Cytogenetic location: 17p11.2.
Variant type: Deletion.
Coding change: c.1285del on transcript NM_000382.3 (MANE Select); coding-DNA position 1285, one base deleted (A; older notation c.1285delA).
Protein change: p.Ser429fs; shifts the reading frame from serine 429.
Molecular consequence: frameshift variant. On other transcripts: intron variant (1).
Genome position (GRCh38, 1-based): chr17:19,671,798, A deleted; the last of 5 consecutive A bases (chr17:19,671,794-19,671,798); deleting any one gives the same sequence. VCF-style (leftmost placement, unchanged base first): chr17-19671793-TA-T. GRCh37 (hg19) VCF-style: chr17-19575106-TA-T.
Other names: c.1285del (NM_000382.2); c.1285del, p.Ser429fs (NM_001031806.2, NM_001369136.1, NM_001369137.2 and 2 more transcripts); c.706del, p.Ser236fs (NM_001369148.2); c.1208-3760del (NM_001369146.2); short protein forms S236fs, S429fs.
Identifiers: ClinVar variation 2793259 (VCV002793259.5), dbSNP rs1366970424, ClinGen allele CA726776006.

ClinVar aggregate classification (germline): Pathogenic/Likely pathogenic. Review status: criteria provided, multiple submitters, no conflicts (2 of 4 stars). 2 submissions from 2 submitters: Pathogenic (1); Likely pathogenic (1). Last evaluated 2025-05-14.

Conditions:
Sjögren-Larsson syndrome (SLS). Also called: FALDH DEFICIENCY; FATTY ALCOHOL:NAD+ OXIDOREDUCTASE DEFICIENCY; FATTY ALDEHYDE DEHYDROGENASE DEFICIENCY; ICHTHYOSIS, SPASTIC NEUROLOGIC DISORDER, AND OLIGOPHRENIA. Identifiers: Orphanet 816, MedGen C0037231, MONDO:0010031, OMIM 270200.

Submissions (2):

Natera, Inc.
Classification: Likely pathogenic for Sjögren-Larsson syndrome. Last evaluated: 2025-05-14. Review status: criteria provided, single submitter. Criteria: Natera Variant Classification Schema (03/2026). Collection method: clinical testing. Allele origin: germline.
Comment: The c.1285del variant in ALDH3A2 is a frameshift variant predicted to shift the reading frame beginning at codon 429 and leads to a stop codon 2 codons downstream. This variant is expected to result in nonsense mediated decay, truncation, or a dysfunctional protein product. This variant is rare in the general population with a frequency below the threshold expected for the associated phenotype(s). Given the available evidence, this variant is classified as Likely Pathogenic.

Labcorp Genetics (formerly Invitae), Labcorp
Classification: Pathogenic. Last evaluated: 2023-04-25. Review status: criteria provided, single submitter. Criteria: Invitae Variant Classification Sherloc (09022015). Collection method: clinical testing. Allele origin: germline.
Comment: This sequence change creates a premature translational stop signal (p.Ser429Valfs*2) in the ALDH3A2 gene. It is expected to result in an absent or disrupted protein product. Loss-of-function variants in ALDH3A2 are known to be pathogenic (PMID: 10577908, 10854114). This variant is not present in population databases (gnomAD no frequency). This variant has not been reported in the literature in individuals affected with ALDH3A2-related conditions. For these reasons, this variant has been classified as Pathogenic.

Literature cited by the submitters: PubMed 10577908 (cited by Labcorp Genetics (formerly Invitae), Labcorp); PubMed 10854114 (cited by Labcorp Genetics (formerly Invitae), Labcorp).